The following is an entry in ClinVar:

NM_001242896.3(DEPDC5):c.1105A>C (p.Met369Leu)

Gene: DEPDC5 (DEP domain containing 5, GATOR1 subcomplex subunit; plus strand). Cytogenetic location: 22q12.3.
Variant type: single nucleotide variant.
Coding change: c.1105A>C on transcript NM_001242896.3 (MANE Select); coding-DNA position 1105, A replaced by C.
Protein change: p.Met369Leu; replaces methionine 369 with leucine.
Molecular consequence: missense variant. On other transcripts: non-coding transcript variant (5).
Genome position (GRCh38, 1-based): chr22:31,804,185, A>C. VCF-style: chr22-31804185-A-C. GRCh37 (hg19) VCF-style: chr22-32200171-A-C.
Other names: c.1105A>C, p.Met369Leu (NM_001007188.4, NM_001136029.4, NM_001242897.2 and 7 more transcripts); c.1021A>C, p.Met341Leu (NM_001369901.1, NM_001369902.1); short protein forms M341L, M369L.
Identifiers: ClinVar variation 3778577 (VCV003778577.7).

ClinVar aggregate classification (germline): Uncertain significance (1 of 4 stars; one submission).

gnomAD v4.1: 2 of 1,614,128 alleles (0.00012%); highest among the groups gnomAD compares: Non-Finnish European, 0.00017%; no homozygotes.

Submission:

CeGaT Center for Human Genetics Tuebingen
Classification: Uncertain significance. Last evaluated: 2025-07-01. Review status: criteria provided, single submitter. Criteria: CeGaT Center For Human Genetics Tuebingen Variant Classification Criteria Version 2. Collection method: clinical testing. Allele origin: germline. Affected: yes. Observed: 1 variant allele.
Comment: DEPDC5: PM2